The following is an entry in ClinVar:

NM_024753.5(TTC21B):c.600T>C (p.Thr200=)

Genes: TTC21B (tetratricopeptide repeat domain 21B; minus strand), TTC21B-AS1 (TTC21B antisense RNA 1; plus strand). Cytogenetic location: 2q24.3.
Variant type: single nucleotide variant.
Coding change: c.600T>C on transcript NM_024753.5 (MANE Select); coding-DNA position 600, T replaced by C.
Protein change: p.Thr200=; no amino-acid change (threonine 200 retained).
Molecular consequence: synonymous variant.
Genome position (GRCh38, 1-based): chr2:165,941,137, A>G on the plus strand (T>C on the coding strand, the complement: TTC21B is on the minus strand). VCF-style: chr2-165941137-A-G. GRCh37 (hg19) VCF-style: chr2-166797647-A-G.
Other names: c.600T>C (NM_024753.4).
Identifiers: ClinVar variation 2952060 (VCV002952060.5), dbSNP rs1228895454, ClinGen allele CA429892863.

ClinVar aggregate classification (germline): Likely benign. Review status: criteria provided, single submitter (1 of 4 stars). 2 submissions from 2 submitters: Likely benign (1). 1 of the submissions does not count toward it. Last evaluated 2023-06-04.

Conditions:
Jeune thoracic dystrophy. Also called: Jeune syndrome; Infantile thoracic dystrophy; Thoracic pelvic phalangeal dystrophy; Jeune's syndrome; Chondroectodermal dysplasia-like syndrome; Short-rib thoracic dysplasia. Identifiers: Orphanet 474, MedGen C0265275, MONDO:0018770.
Nephronophthisis. Also called: Juvenile Nephronophthisis. Identifiers: Orphanet 655, MedGen C0687120, MONDO:0019005, HP:0000090.
TTC21B-related disorder. Also called: TTC21B-related condition; TTC21B-related disorders.

Allele frequency attached by ClinVar (database versions not stated): gnomAD exomes below 0.00001; gnomAD 0.00001.
gnomAD v4.1: 6 of 1,613,842 alleles (0.00037%); highest among the groups gnomAD compares: Non-Finnish European, 0.00051%; no homozygotes.

Submissions (2):

Labcorp Genetics (formerly Invitae), Labcorp
Classification: Likely benign for Jeune thoracic dystrophy; Nephronophthisis. Last evaluated: 2023-06-04. Review status: criteria provided, single submitter. Criteria: Invitae Variant Classification Sherloc (09022015). Collection method: clinical testing. Allele origin: germline.

PreventionGenetics, part of Exact Sciences
Classification: Likely benign for TTC21B-related condition. Last evaluated: 2022-01-06. Review status: no assertion criteria provided. Collection method: clinical testing. Allele origin: germline. Not counted in ClinVar's aggregate classification.
Comment: This variant is classified as likely benign based on ACMG/AMP sequence variant interpretation guidelines (Richards et al. 2015 PMID: 25741868, with internal and published modifications).